The following is an entry in ClinVar:

NM_004629.2(FANCG):c.1133C>T (p.Ser378Leu)

Gene: FANCG (FA complementation group G; minus strand). Cytogenetic location: 9p13.3.
Variant type: single nucleotide variant.
Coding change: c.1133C>T on transcript NM_004629.2 (MANE Select); coding-DNA position 1133, C replaced by T.
Protein change: p.Ser378Leu; replaces serine 378 with leucine.
Molecular consequence: missense variant.
Genome position (GRCh38, 1-based): chr9:35,075,972, G>A on the plus strand (C>T on the coding strand, the complement: FANCG is on the minus strand). VCF-style: chr9-35075972-G-A. GRCh37 (hg19) VCF-style: chr9-35075969-G-A.
Other names: short protein forms S378L.
Identifiers: ClinVar variation 134370 (VCV000134370.28), dbSNP rs4986939, ClinGen allele CA159625.
Genomic context (GRCh38, chr9:35,075,972, plus strand): 5'-GGACACCAACCCGTCTACCCCATTGCAGAGAAGCTTGAAGACACACCCACCCTTGGCTCC[G>A]AGCTATCCAGCAACAGGGCCAGCAGGTCCAAGTAATGCTCTGCAGCGTCTCCTGCCCTGA-3'
Protein context (NP_004620.1, residues 368-388): LDLLALLLDS[Ser378Leu]EPRFSPPPSP

ClinVar aggregate classification (germline): Benign/Likely benign. Review status: criteria provided, multiple submitters, no conflicts (2 of 4 stars). 12 submissions from 12 submitters: Benign (6); Likely benign (2). 4 of the submissions do not count toward it. Last evaluated 2026-02-04.

Conditions:
Fanconi anemia (FA). Also called: Fanconi's anemia. Identifiers: Orphanet 84, MedGen C0015625, MeSH D005199, MONDO:0019391.
Fanconi anemia complementation group G. Also called: FANCG-Related Fanconi Anemia; Fanconi anemia group G. Identifiers: Orphanet 84, MedGen C3469527, MONDO:0013565, OMIM 614082.

Allele frequency attached by ClinVar (database versions not stated): 1000 Genomes Project 0.03594; gnomAD 0.03269 and 0.03038; gnomAD exomes 0.00791; ESP Exome Variant Server 0.03429; 1000 Genomes Project 30x 0.03966; ExAC 0.00966; TOPMed 0.03475.
gnomAD v4.1: 8,900 of 1,614,082 alleles (0.55%); highest among the groups gnomAD compares: African/African-American, 10%; 437 homozygotes.

Submissions (12):

Labcorp Genetics (formerly Invitae), Labcorp
Classification: Benign for Fanconi anemia. Last evaluated: 2026-02-04. Review status: criteria provided, single submitter. Criteria: Invitae Variant Classification Sherloc (09022015). Collection method: clinical testing. Allele origin: germline.

Dasa
Classification: Benign. Last evaluated: 2025-11-21. Review status: criteria provided, single submitter. Criteria: DASA Assertion Criteria. Collection method: clinical testing. Allele origin: germline.
Comment: NM_004629.2(FANCG):c.1133C>T (p.Ser378Leu) is a missense variant that results in the substitution of serine with leucine. Population frequency is inconsistent with a disease-causing role for this variant, and observations in unaffected individuals support a benign interpretation. Computational prediction algorithms are consistent with a benign effect. Therefore, based on the currently available evidence, this variant is classified as benign.

ARUP Laboratories, Molecular Genetics and Genomics, ARUP Laboratories
Classification: Benign for Fanconi anemia complementation group G. Last evaluated: 2024-07-19. Review status: criteria provided, single submitter. Criteria: ARUP Molecular Germline Variant Investigation Process 2024. Collection method: clinical testing. Allele origin: germline.

KCCC/NGS Laboratory, Kuwait Cancer Control Center
Classification: Benign for Fanconi anemia complementation group G. Last evaluated: 2023-07-07. Review status: criteria provided, single submitter. Criteria: ACMG Guidelines, 2015. Collection method: clinical testing. Allele origin: germline. Affected: yes.

GeneDx
Classification: Benign. Last evaluated: 2019-05-25. Review status: criteria provided, single submitter. Criteria: GeneDx Variant Classification Process June 2021. Collection method: clinical testing. Allele origin: germline. Affected: yes.

Illumina Laboratory Services, Illumina
Classification: Likely benign for Fanconi anemia complementation group G. Last evaluated: 2017-04-27. Review status: criteria provided, single submitter. Criteria: ICSL Variant Classification Criteria 13 December 2019. Collection method: clinical testing. Allele origin: germline.
Comment: This variant was observed as part of a predisposition screen in an ostensibly healthy population. A literature search was performed for the gene, cDNA change, and amino acid change (where applicable). No publications were found based on this search. Allele frequency data from public databases allowed determination this variant is unlikely to cause disease. Therefore, this variant is classified as likely benign.

Breakthrough Genomics
Classification: Likely benign. Review status: criteria provided, single submitter. Criteria: ACMG Guidelines, 2015. Collection method: not provided. Allele origin: germline. Inheritance: Autosomal recessive inheritance. Affected: yes.

PreventionGenetics, part of Exact Sciences
Classification: Benign. Review status: criteria provided, single submitter. Criteria: ACMG Guidelines, 2015. Collection method: clinical testing. Allele origin: germline.

Natera, Inc.
Classification: Benign for Fanconi anemia group G. Last evaluated: 2020-09-16. Review status: no assertion criteria provided. Collection method: clinical testing. Allele origin: germline. Not counted in ClinVar's aggregate classification.

ITMI
No classification provided. Condition: AllHighlyPenetrant. Last evaluated: 2013-09-19. Review status: no classification provided. Collection method: reference population. Allele origin: germline. Not counted in ClinVar's aggregate classification.
Comment: Please see associated publication for description of ethnicities

Genome Diagnostics Laboratory, Amsterdam University Medical Center
Classification: Benign. Review status: no assertion criteria provided. Collection method: clinical testing. Allele origin: germline. Affected: yes. Study: VKGL Data-share Consensus. Not counted in ClinVar's aggregate classification.

Laboratory of Diagnostic Genome Analysis, Leiden University Medical Center (LUMC)
Classification: Likely benign. Review status: no assertion criteria provided. Collection method: clinical testing. Allele origin: germline. Affected: yes. Study: VKGL Data-share Consensus. Not counted in ClinVar's aggregate classification.

Literature cited by the submitters: PubMed 24728327 (cited by ITMI).